The following is an entry in ClinVar:

ClinVar aggregate classification (germline): Benign/Likely benign. Review status: criteria provided, multiple submitters, no conflicts (2 of 4 stars). 5 submissions from 5 submitters: Benign (1); Likely benign (4). Last evaluated 2026-06-01.

Allele frequency attached by ClinVar (database versions not stated): gnomAD 0.00023 and 0.00028; gnomAD exomes 0.00027 and 0.00040; TOPMed 0.00032; ExAC 0.00038; ESP Exome Variant Server 0.00046; 1000 Genomes Project 30x 0.00047; 1000 Genomes Project 0.00060.
gnomAD v4.1: 469 of 1,614,152 alleles (0.029%); highest among the groups gnomAD compares: Middle Eastern, 0.45%; 1 homozygote.

Submissions (5):

CeGaT Center for Human Genetics Tuebingen
Classification: Likely benign. Last evaluated: 2026-06-01. Review status: criteria provided, single submitter. Criteria: CeGaT Center For Human Genetics Tuebingen Variant Classification Criteria Version 2. Collection method: clinical testing. Allele origin: germline. Affected: yes. Observed: 2 variant alleles.
Comment: KCNH1: BP4, BP7

Labcorp Genetics (formerly Invitae), Labcorp
Classification: Likely benign. Last evaluated: 2026-01-24. Review status: criteria provided, single submitter. Criteria: Invitae Variant Classification Sherloc (09022015). Collection method: clinical testing. Allele origin: germline.

Blueprint Genetics
Classification: Likely benign. Last evaluated: 2024-10-31. Review status: criteria provided, single submitter. Criteria: ACMG Guidelines, 2015. Collection method: clinical testing. Allele origin: germline.

GeneDx
Classification: Benign. Last evaluated: 2019-01-29. Review status: criteria provided, single submitter. Criteria: GeneDx Variant Classification Process June 2021. Collection method: clinical testing. Allele origin: germline. Affected: yes.

Breakthrough Genomics
Classification: Likely benign. Review status: criteria provided, single submitter. Criteria: ACMG Guidelines, 2015. Collection method: not provided. Allele origin: germline. Inheritance: Autosomal dominant inheritance. Affected: yes.

NM_172362.3(KCNH1):c.2661C>T (p.Ser887=)

Gene: KCNH1 (potassium voltage-gated channel subfamily H member 1; minus strand). Cytogenetic location: 1q32.2.
Variant type: single nucleotide variant.
Coding change: c.2661C>T on transcript NM_172362.3 (MANE Select); coding-DNA position 2661, C replaced by T.
Protein change: p.Ser887=; no amino-acid change (serine 887 retained).
Molecular consequence: synonymous variant.
Genome position (GRCh38, 1-based): chr1:210,683,590, G>A on the plus strand (C>T on the coding strand, the complement: KCNH1 is on the minus strand). VCF-style: chr1-210683590-G-A. GRCh37 (hg19) VCF-style: chr1-210856932-G-A.
Other names: c.2580C>T, p.Ser860= (NM_002238.4).
Identifiers: ClinVar variation 770322 (VCV000770322.30), dbSNP rs147411779, ClinGen allele CA1379614.